The following is an entry in ClinVar:

ClinVar aggregate classification (germline): Pathogenic (1 of 4 stars; one submission).

Submission:

Labcorp Genetics (formerly Invitae), Labcorp
Classification: Pathogenic. Last evaluated: 2024-01-18. Review status: criteria provided, single submitter. Criteria: Invitae Variant Classification Sherloc (09022015). Collection method: clinical testing. Allele origin: germline.
Comment: This sequence change creates a premature translational stop signal (p.Val292Serfs*10) in the SLC12A3 gene. It is expected to result in an absent or disrupted protein product. Loss-of-function variants in SLC12A3 are known to be pathogenic (PMID: 20848653, 22009145, 25841442). This variant is not present in population databases (gnomAD no frequency). This variant has not been reported in the literature in individuals affected with SLC12A3-related conditions. For these reasons, this variant has been classified as Pathogenic.

Literature cited by the submitters: PubMed 20848653; PubMed 22009145; PubMed 25841442.

NM_001126108.2(SLC12A3):c.871del (p.Val292fs)

Gene: SLC12A3 (solute carrier family 12 member 3; plus strand). Cytogenetic location: 16q13.
Variant type: Deletion.
Coding change: c.871del on transcript NM_001126108.2 (MANE Select); coding-DNA position 871, one base deleted (C; older notation c.871delC).
Protein change: p.Val292fs; shifts the reading frame from valine 292.
Molecular consequence: frameshift variant.
Genome position (GRCh38, 1-based): chr16:56,872,369, C deleted; the last of 2 consecutive C bases (chr16:56,872,368-56,872,369); deleting either gives the same sequence. VCF-style (leftmost placement, unchanged base first): chr16-56872367-TC-T. GRCh37 (hg19) VCF-style: chr16-56906279-TC-T.
Other names: c.871del, p.Val292fs (NM_000339.3); c.868del, p.Val291fs (NM_001126107.2, NM_001410896.1); short protein forms V291fs, V292fs.
Identifiers: ClinVar variation 2989404 (VCV002989404.3), dbSNP rs868214128, ClinGen allele CA281497953.